The following is an entry in ClinVar:

ClinVar aggregate classification (germline): Benign/Likely benign. Review status: criteria provided, multiple submitters, no conflicts (2 of 4 stars). 3 submissions from 3 submitters: Benign (1); Likely benign (2). Last evaluated 2025-09-04.

Conditions:
IMPG2-related disorder. Also called: IMPG2-related condition.

Allele frequency attached by ClinVar (database versions not stated): gnomAD 0.00002 and 0.00005; TOPMed 0.00004; ESP Exome Variant Server 0.00008; ExAC 0.00017.
gnomAD v4.1: 98 of 1,610,232 alleles (0.0061%); highest among the groups gnomAD compares: South Asian, 0.051%; 1 homozygote.

Submissions (3):

PreventionGenetics, part of Exact Sciences
Classification: Likely benign for IMPG2-related condition. Last evaluated: 2025-09-04. Review status: criteria provided, single submitter. Criteria: ACMG Guidelines, 2015. Collection method: clinical testing. Allele origin: germline.
Comment: This variant is classified as likely benign based on ACMG/AMP sequence variant interpretation guidelines (Richards et al. 2015 PMID: 25741868, with internal and published modifications).

Labcorp Genetics (formerly Invitae), Labcorp
Classification: Benign. Last evaluated: 2025-04-10. Review status: criteria provided, single submitter. Criteria: Invitae Variant Classification Sherloc (09022015). Collection method: clinical testing. Allele origin: germline.

Blueprint Genetics
Classification: Likely benign. Last evaluated: 2024-06-14. Review status: criteria provided, single submitter. Criteria: ACMG Guidelines, 2015. Collection method: clinical testing. Allele origin: germline.

NM_016247.4(IMPG2):c.1227G>A (p.Pro409=)

Gene: IMPG2 (interphotoreceptor matrix proteoglycan 2; minus strand). Cytogenetic location: 3q12.3.
Variant type: single nucleotide variant.
Coding change: c.1227G>A on transcript NM_016247.4 (MANE Select); coding-DNA position 1227, G replaced by A.
Protein change: p.Pro409=; no amino-acid change (proline 409 retained).
Molecular consequence: synonymous variant.
Genome position (GRCh38, 1-based): chr3:101,253,708, C>T on the plus strand (G>A on the coding strand, the complement: IMPG2 is on the minus strand). VCF-style: chr3-101253708-C-T. GRCh37 (hg19) VCF-style: chr3-100972552-C-T.
Other names: c.1227G>A (NM_016247.3).
Identifiers: ClinVar variation 1170098 (VCV001170098.12), dbSNP rs371246481, ClinGen allele CA2519243.